The following is an entry in ClinVar:

NM_057175.5(NAA15):c.908G>C (p.Gly303Ala)

Gene: NAA15 (N-alpha-acetyltransferase 15, NatA auxiliary subunit; plus strand). Cytogenetic location: 4q31.1.
Variant type: single nucleotide variant.
Coding change: c.908G>C on transcript NM_057175.5 (MANE Select); coding-DNA position 908, G replaced by C.
Protein change: p.Gly303Ala; replaces glycine 303 with alanine.
Molecular consequence: missense variant.
Genome position (GRCh38, 1-based): chr4:139,351,505, G>C. VCF-style: chr4-139351505-G-C. GRCh37 (hg19) VCF-style: chr4-140272659-G-C.
Other names: c.908G>C, p.Gly303Ala (NM_001410842.1); short protein forms G303A.
Identifiers: ClinVar variation 3642463 (VCV003642463.2).

ClinVar aggregate classification (germline): Uncertain significance (1 of 4 stars; one submission).

gnomAD v4.1: 2 of 1,564,970 alleles (0.00013%); highest among the groups gnomAD compares: African/African-American, 0.0014%; no homozygotes.

Submission:

Labcorp Genetics (formerly Invitae), Labcorp
Classification: Uncertain significance. Last evaluated: 2024-02-22. Review status: criteria provided, single submitter. Criteria: Invitae Variant Classification Sherloc (09022015). Collection method: clinical testing. Allele origin: germline.
Comment: This sequence change replaces glycine, which is neutral and non-polar, with alanine, which is neutral and non-polar, at codon 303 of the NAA15 protein (p.Gly303Ala). This variant is not present in population databases (gnomAD no frequency). This variant has not been reported in the literature in individuals affected with NAA15-related conditions. An algorithm developed to predict the effect of missense changes on protein structure and function (PolyPhen-2) suggests that this variant is likely to be disruptive. Algorithms developed to predict the effect of sequence changes on RNA splicing suggest that this variant may disrupt the consensus splice site. In summary, the available evidence is currently insufficient to determine the role of this variant in disease. Therefore, it has been classified as a Variant of Uncertain Significance.